The following is an entry in ClinVar:

ClinVar aggregate classification (germline): Uncertain significance (1 of 4 stars; one submission).

gnomAD v4.1: 1 of 1,613,498 alleles (0.000062%); highest among the groups gnomAD compares: South Asian, 0.0011%; no homozygotes.

Submission:

GeneDx
Classification: Uncertain significance. Last evaluated: 2024-08-09. Review status: criteria provided, single submitter. Criteria: GeneDx Variant Classification Process June 2021. Collection method: clinical testing. Allele origin: germline. Affected: yes.
Comment: Nonsense variant predicted to result in protein truncation or nonsense mediated decay in a region of a gene for which loss of function is not a well-established mechanism of disease; Not observed at significant frequency in large population cohorts (gnomAD); Has not been previously published as pathogenic or benign to our knowledge

NM_001267550.2(TTN):c.15045G>A (p.Trp5015Ter)

Gene: TTN (titin; minus strand). Cytogenetic location: 2q31.2.
Variant type: single nucleotide variant.
Coding change: c.15045G>A on transcript NM_001267550.2 (MANE Select); coding-DNA position 15045, G replaced by A.
Protein change: p.Trp5015Ter; replaces tryptophan 5015 with a stop codon.
Molecular consequence: nonsense. On other transcripts: intron variant (3).
Genome position (GRCh38, 1-based): chr2:178,734,879, C>T on the plus strand (G>A on the coding strand, the complement: TTN is on the minus strand). VCF-style: chr2-178734879-C-T. GRCh37 (hg19) VCF-style: chr2-179599606-C-T.
Other names: c.14094G>A, p.Trp4698Ter (NM_001256850.1); c.11313G>A, p.Trp3771Ter (NM_133378.4); c.13282+3203G>A (NM_003319.4); c.13858+3203G>A (NM_133437.4); c.13657+3203G>A (NM_133432.3); short protein forms W5015*, W3771*, W4698*.
Identifiers: ClinVar variation 3730966 (VCV003730966.1).